The following is an entry in ClinVar:

NM_006096.4(NDRG1):c.983C>T (p.Thr328Ile)

Gene: NDRG1 (N-myc downstream regulated 1; minus strand). Cytogenetic location: 8q24.22.
Variant type: single nucleotide variant.
Coding change: c.983C>T on transcript NM_006096.4 (MANE Select); coding-DNA position 983, C replaced by T.
Protein change: p.Thr328Ile; replaces threonine 328 with isoleucine.
Molecular consequence: missense variant.
Genome position (GRCh38, 1-based): chr8:133,239,080, G>A on the plus strand (C>T on the coding strand, the complement: NDRG1 is on the minus strand). VCF-style: chr8-133239080-G-A. GRCh37 (hg19) VCF-style: chr8-134251323-G-A.
Other names: c.983C>T, p.Thr328Ile (NM_001135242.2, NM_001374845.1, NM_001374846.1); c.785C>T, p.Thr262Ile (NM_001258432.2, NM_001374847.1); c.740C>T, p.Thr247Ile (NM_001258433.2); c.1034C>T, p.Thr345Ile (NM_001374844.1); short protein forms T247I, T262I, T328I, T345I.
Identifiers: ClinVar variation 1715231 (VCV001715231.5), dbSNP rs2537996209, ClinGen allele CA372254585.

ClinVar aggregate classification (germline): Uncertain significance (1 of 4 stars; one submission).

Conditions:
Charcot-Marie-Tooth disease type 4. Also called: Charcot-Marie-Tooth disease, type IV; Charcot-Marie-Tooth, Type 4. Identifiers: Orphanet 64749, MedGen C4082197, MONDO:0018995.

Submission:

Labcorp Genetics (formerly Invitae), Labcorp
Classification: Uncertain significance for Charcot-Marie-Tooth disease type 4. Last evaluated: 2022-08-05. Review status: criteria provided, single submitter. Criteria: Invitae Variant Classification Sherloc (09022015). Collection method: clinical testing. Allele origin: germline.
Comment: In summary, the available evidence is currently insufficient to determine the role of this variant in disease. Therefore, it has been classified as a Variant of Uncertain Significance. Algorithms developed to predict the effect of missense changes on protein structure and function are either unavailable or do not agree on the potential impact of this missense change (SIFT: "Deleterious"; PolyPhen-2: "Possibly Damaging"; Align-GVGD: "Class C0"). This variant has not been reported in the literature in individuals affected with NDRG1-related conditions. This variant is not present in population databases (gnomAD no frequency). This sequence change replaces threonine, which is neutral and polar, with isoleucine, which is neutral and non-polar, at codon 328 of the NDRG1 protein (p.Thr328Ile).